The following is an entry in ClinVar:

NM_006618.5(KDM5B):c.1876G>A (p.Val626Met)

Gene: KDM5B (lysine demethylase 5B; minus strand). Cytogenetic location: 1q32.1.
Variant type: single nucleotide variant.
Coding change: c.1876G>A on transcript NM_006618.5 (MANE Select); coding-DNA position 1876, G replaced by A.
Protein change: p.Val626Met; replaces valine 626 with methionine.
Molecular consequence: missense variant.
Genome position (GRCh38, 1-based): chr1:202,749,085, C>T on the plus strand (G>A on the coding strand, the complement: KDM5B is on the minus strand). VCF-style: chr1-202749085-C-T. GRCh37 (hg19) VCF-style: chr1-202718213-C-T.
Other names: c.1984G>A, p.Val662Met (NM_001314042.2); c.1741G>A, p.Val581Met (NM_001347591.2); c.1861G>A, p.Val621Met (NM_001399817.1); short protein forms V581M, V621M, V626M, V662M.
Identifiers: ClinVar variation 2582108 (VCV002582108.1), dbSNP rs2527501924, ClinGen allele CA344267091.

ClinVar aggregate classification (germline): Uncertain significance (1 of 4 stars; one submission).

Allele frequency attached by ClinVar (database versions not stated): gnomAD exomes below 0.00001.
gnomAD v4.1: 1 of 1,614,102 alleles (0.000062%); no homozygotes.

Submission:

GeneDx
Classification: Uncertain significance. Last evaluated: 2023-03-28. Review status: criteria provided, single submitter. Criteria: GeneDx Variant Classification Process June 2021. Collection method: clinical testing. Allele origin: germline. Affected: yes.
Comment: Not observed at significant frequency in large population cohorts (gnomAD); In silico analysis supports that this missense variant has a deleterious effect on protein structure/function; Has not been previously published as pathogenic or benign to our knowledge